The following is an entry in ClinVar:

NM_000465.4(BARD1):c.31_45dup (p.Gln11_Arg15dup)

Gene: BARD1 (BRCA1 associated RING domain 1; minus strand). Cytogenetic location: 2q35.
Variant type: Duplication.
Coding change: c.31_45dup on transcript NM_000465.4 (MANE Select); coding-DNA positions 31 to 45, 15 bases duplicated (CAGCCGAGGATCCGC).
Protein change: p.Gln11_Arg15dup.
Molecular consequence: inframe insertion. On other transcripts: non-coding transcript variant (3).
Genome position (GRCh38, 1-based): chr2:214,809,525-214,809,539, GCGGATCCTCGGCTG duplicated on the plus strand (CAGCCGAGGATCCGC on the coding strand, the reverse complement: BARD1 is on the minus strand). VCF-style (leftmost placement, unchanged base first): chr2-214809524-A-AGCGGATCCTCGGCTG. GRCh37 (hg19) VCF-style: chr2-215674248-A-AGCGGATCCTCGGCTG.
Other names: c.31_45dup (NM_000465.3, NM_000465.2); c.31_45dup, p.Gln11_Arg15dup (NM_001282543.2, NM_001282545.2, NM_001282548.2 and 1 more transcripts); c.31_45dupCAGCCGAGGATCCGC (NM_000465.2).
Identifiers: ClinVar variation 231609 (VCV000231609.21), dbSNP rs876659262, ClinGen allele CA10577869.

ClinVar aggregate classification (germline): Uncertain significance. Review status: criteria provided, multiple submitters, no conflicts (2 of 4 stars). 5 submissions from 5 submitters: Uncertain significance (5). Last evaluated 2025-07-03.

Conditions:
Hereditary cancer-predisposing syndrome. Also called: Neoplastic Syndromes, Hereditary; Tumor predisposition; Hereditary Cancer Syndrome; Hereditary neoplastic syndrome. Identifiers: Orphanet 140162, MedGen C0027672, MeSH D009386, MONDO:0015356.
Familial cancer of breast. Also called: BREAST CANCER, FAMILIAL; hereditary breast carcinoma; Hereditary breast cancer. Identifiers: Orphanet 227535, MedGen C0346153, MONDO:0016419, OMIM 114480. Disease mechanism: loss of function.

Allele frequency attached by ClinVar (database versions not stated): gnomAD exomes below 0.00001; gnomAD 0.00002; TOPMed 0.00002.

Submissions (5):

Ambry Genetics
Classification: Uncertain significance for Hereditary cancer-predisposing syndrome. Last evaluated: 2025-07-03. Review status: criteria provided, single submitter. Criteria: Ambry Variant Classification Scheme 2023. Collection method: clinical testing. Allele origin: germline.
Comment: The c.31_45dup15 variant (also known as p.Q11_R15dup) is located in coding exon 1 of the BARD1 gene. This variant results from an in-frame duplication of 15 nucleotides at nucleotide positions 31 to 45. This results in the insertion of 5 amino acids (QPRIR) between codons 11 and 15. This amino acid region is not well conserved in available vertebrate species. In addition, this alteration is predicted to be neutral by in silico analysis (Choi Y et al. PLoS ONE. 2012; 7(10):e46688). Since supporting evidence is limited at this time, the clinical significance of this alteration remains unclear.

Labcorp Genetics (formerly Invitae), Labcorp
Classification: Uncertain significance for Familial cancer of breast. Last evaluated: 2024-08-08. Review status: criteria provided, single submitter. Criteria: Invitae Variant Classification Sherloc (09022015). Collection method: clinical testing. Allele origin: germline.
Comment: This variant, c.31_45dup, results in the insertion of 5 amino acid(s) of the BARD1 protein (p.Gln11_Arg15dup), but otherwise preserves the integrity of the reading frame. This variant is present in population databases (no rsID available, gnomAD 0.02%). This variant has not been reported in the literature in individuals affected with BARD1-related conditions. ClinVar contains an entry for this variant (Variation ID: 231609). Experimental studies and prediction algorithms are not available or were not evaluated, and the functional significance of this variant is currently unknown. In summary, the available evidence is currently insufficient to determine the role of this variant in disease. Therefore, it has been classified as a Variant of Uncertain Significance.

GeneDx
Classification: Uncertain significance. Last evaluated: 2023-10-23. Review status: criteria provided, single submitter. Criteria: GeneDx Variant Classification Process June 2021. Collection method: clinical testing. Allele origin: germline. Affected: yes.
Comment: In-frame insertion of five amino acids in a non-repeat region; Not observed at significant frequency in large population cohorts (gnomAD); Has not been previously published as pathogenic or benign to our knowledge

Baylor Genetics
Classification: Uncertain significance for Familial cancer of breast. Last evaluated: 2023-09-15. Review status: criteria provided, single submitter. Criteria: ACMG Guidelines, 2015. Collection method: clinical testing. Allele origin: unknown.

Color Diagnostics, LLC DBA Color Health
Classification: Uncertain significance for Hereditary cancer-predisposing syndrome. Last evaluated: 2019-02-04. Review status: criteria provided, single submitter. Criteria: ACMG Guidelines, 2015. Collection method: clinical testing. Allele origin: germline.